The following is an entry in ClinVar:

NM_000081.4(LYST):c.6697T>A (p.Leu2233Met)

Gene: LYST (lysosomal trafficking regulator; minus strand). Cytogenetic location: 1q42.3.
Variant type: single nucleotide variant.
Coding change: c.6697T>A on transcript NM_000081.4 (MANE Select); coding-DNA position 6697, T replaced by A.
Protein change: p.Leu2233Met; replaces leucine 2233 with methionine.
Molecular consequence: missense variant.
Genome position (GRCh38, 1-based): chr1:235,759,156, A>T on the plus strand (T>A on the coding strand, the complement: LYST is on the minus strand). VCF-style: chr1-235759156-A-T. GRCh37 (hg19) VCF-style: chr1-235922456-A-T.
Other names: c.6697T>A, p.Leu2233Met (NM_001301365.1); short protein forms L2233M.
Identifiers: ClinVar variation 2001116 (VCV002001116.4), dbSNP rs2527805999, ClinGen allele CA344939845.
Genomic context (GRCh38, chr1:235,759,156, plus strand): 5'-GTGAAGGAAAAGCTAGCCCAAGGCTTGCAATAGTGCTGTGGCTTCGCTGGAAGGAGGCCA[A>T]TCCCTTTAGGTAATCAGGTCGGCGTGGGCAGGACTCATCCCCAGGACTGTCATCTTCTGA-3'
Protein context (NP_000072.2, residues 2223-2243): CPRRPDYLKG[Leu2233Met]ASFQRSHSTI

ClinVar aggregate classification (germline): Uncertain significance (1 of 4 stars; one submission).

Conditions:
Chédiak-Higashi syndrome (CHS). Also called: Chediak-Higashi Syndrome. Identifiers: Orphanet 167, MedGen C0007965, MONDO:0008963, OMIM 214500.

Submission:

Labcorp Genetics (formerly Invitae), Labcorp
Classification: Uncertain significance for Chédiak-Higashi syndrome. Last evaluated: 2022-05-30. Review status: criteria provided, single submitter. Criteria: Invitae Variant Classification Sherloc (09022015). Collection method: clinical testing. Allele origin: germline.
Comment: This sequence change replaces leucine, which is neutral and non-polar, with methionine, which is neutral and non-polar, at codon 2233 of the LYST protein (p.Leu2233Met). This variant is not present in population databases (gnomAD no frequency). This variant has not been reported in the literature in individuals affected with LYST-related conditions. Algorithms developed to predict the effect of missense changes on protein structure and function are either unavailable or do not agree on the potential impact of this missense change (SIFT: "Deleterious"; PolyPhen-2: "Probably Damaging"; Align-GVGD: "Class C0"). In summary, the available evidence is currently insufficient to determine the role of this variant in disease. Therefore, it has been classified as a Variant of Uncertain Significance.